The following is an entry in ClinVar:

NM_000487.6(ARSA):c.514G>A (p.Gly172Ser)

Gene: ARSA (arylsulfatase A; minus strand). Cytogenetic location: 22q13.33.
Variant type: single nucleotide variant.
Coding change: c.514G>A on transcript NM_000487.6 (MANE Select); coding-DNA position 514, G replaced by A.
Protein change: p.Gly172Ser; replaces glycine 172 with serine.
Molecular consequence: missense variant.
Genome position (GRCh38, 1-based): chr22:50,627,004, C>T on the plus strand (G>A on the coding strand, the complement: ARSA is on the minus strand). VCF-style: chr22-50627004-C-T. GRCh37 (hg19) VCF-style: chr22-51065432-C-T.
Other names: c.514G>A, p.Gly172Ser (NM_001085425.3, NM_001085426.3, NM_001085427.3); c.256G>A, p.Gly86Ser (NM_001085428.3, NM_001362782.2); short protein forms G172S, G86S.
Identifiers: ClinVar variation 556103 (VCV000556103.7), dbSNP rs74315271, ClinGen allele CA10324987.

ClinVar aggregate classification (germline): Uncertain significance. Review status: criteria provided, multiple submitters, no conflicts (2 of 4 stars). 5 submissions from 5 submitters: Uncertain significance (4). 1 of the submissions does not count toward it. Last evaluated 2026-08-26.

Conditions:
Metachromatic leukodystrophy (MLD). Also called: Cerebral sclerosis diffuse metachromatic form; Arylsulfatase A Deficiency; METACHROMATIC LEUKOENCEPHALOPATHY; SULFATIDE LIPIDOSIS; ARSA DEFICIENCY; CEREBROSIDE SULFATASE DEFICIENCY. Identifiers: Orphanet 512, MedGen C0023522, MONDO:0018868, OMIM 250100.

Allele frequency attached by ClinVar (database versions not stated): gnomAD 0.00003; TOPMed 0.00002.

Submissions (5):

Myriad Genetics, Inc.
Classification: Uncertain significance for Metachromatic leukodystrophy. Last evaluated: 2026-08-26. Review status: criteria provided, single submitter. Criteria: Myriad Autosomal Dominant, Autosomal Recessive and X-Linked Classification Criteria (2023). Collection method: clinical testing. Allele origin: unknown.
Comment: NM_000487.5(ARSA):c.514G>A(G172S) is a missense variant classified as a variant of uncertain significance in the context of metachromatic leukodystrophy. G172S has been observed in a case with relevant disease (PMID: 21167507). Relevant functional assessments of this variant are not available in the literature. G172S has been observed in referenced population frequency databases. In summary, there is insufficient evidence to classify NM_000487.5(ARSA):c.514G>A(G172S) as pathogenic or benign. Please note: this variant was assessed in the context of healthy population screening.

OLLIN Analises Genomicas, OLLIN
Classification: Uncertain significance for Metachromatic leukodystrophy. Last evaluated: 2026-08-06. Review status: criteria provided, single submitter. Criteria: ACMG Guidelines 2015 PMID 25741868. Collection method: clinical testing. Allele origin: germline. Inheritance: Autosomal recessive inheritance.
Comment: This missense variant, located in exon 3 (of 8), has been reported in ClinVar (accession VCV002915377.5) and in gnomAD with an allele frequency of 0.0013%. However, to our knowledge, it has not been reported in the scientific literature. In silico analysis is inconclusive regarding the impact of this variant. This variant is located in a region considered to be a mutational hotspot. This gene is constrained for missense variation. According to the currently available evidence, this variant has been classified as uncertain significance (PM1, PM2_P, PP2).

Labcorp Genetics (formerly Invitae), Labcorp
Classification: Uncertain significance for Metachromatic leukodystrophy. Last evaluated: 2022-08-10. Review status: criteria provided, single submitter. Criteria: Invitae Variant Classification Sherloc (09022015). Collection method: clinical testing. Allele origin: germline.
Comment: This sequence change replaces glycine, which is neutral and non-polar, with serine, which is neutral and polar, at codon 172 of the ARSA protein (p.Gly172Ser). This variant is present in population databases (rs74315271, gnomAD 0.004%). This missense change has been observed in individual(s) with metachromatic leukodystrophy (PMID: 21167507). This variant is also known as c.508G>A (p.Gly170Ser). ClinVar contains an entry for this variant (Variation ID: 556103). Algorithms developed to predict the effect of missense changes on protein structure and function are either unavailable or do not agree on the potential impact of this missense change (SIFT: "Deleterious"; PolyPhen-2: "Benign"; Align-GVGD: "Class C0"). Algorithms developed to predict the effect of sequence changes on RNA splicing suggest that this variant may disrupt the consensus splice site. In summary, the available evidence is currently insufficient to determine the role of this variant in disease. Therefore, it has been classified as a Variant of Uncertain Significance.

Fulgent Genetics
Classification: Uncertain significance for Metachromatic leukodystrophy. Last evaluated: 2021-08-23. Review status: criteria provided, single submitter. Criteria: ACMG Guidelines, 2015. Collection method: clinical testing. Allele origin: unknown.

Counsyl
Classification: Uncertain significance for Metachromatic leukodystrophy. Last evaluated: 2018-01-12. Review status: no assertion criteria provided. Collection method: clinical testing. Allele origin: unknown. Not counted in ClinVar's aggregate classification.

Literature cited by the submitters: PubMed 21167507 (cited by 3 submitters).